The following is an entry in ClinVar:

ClinVar aggregate classification (germline): Likely benign. Review status: reviewed by expert panel (3 of 4 stars). 7 submissions from 7 submitters: Likely benign (1). 6 of the submissions do not count toward it. Last evaluated 2017-06-29.

Conditions:
Hereditary cancer-predisposing syndrome. Also called: Tumor predisposition; Hereditary Cancer Syndrome; Hereditary neoplastic syndrome; Neoplastic Syndromes, Hereditary. Identifiers: Orphanet 140162, MedGen C0027672, MeSH D009386, MONDO:0015356.
Hereditary breast ovarian cancer syndrome. Also called: Breast and ovarian cancer; Hereditary breast and ovarian cancer syndrome; Hereditary breast and ovarian cancer; BRCA1- and BRCA2-Associated Hereditary Breast and Ovarian Cancer; Hereditary breast and ovarian cancer syndrome (HBOC); Hereditary breast and/or ovarian cancer syndrome. Identifiers: Orphanet 145, MedGen C0677776, MeSH D061325, MONDO:0003582. Disease mechanism: loss of function.
Breast-ovarian cancer, familial, susceptibility to, 2 (BROVCA2). Also called: BRCA2 Hereditary Breast and Ovarian Cancer. Identifiers: Orphanet 145, MedGen C2675520, MONDO:0012933, OMIM 612555. Disease mechanism: loss of function.

Allele frequency attached by ClinVar (database versions not stated): gnomAD exomes below 0.00001; TOPMed below 0.00001; gnomAD 0.00001.
gnomAD v4.1: 6 of 1,613,736 alleles (0.00037%); highest among the groups gnomAD compares: Non-Finnish European, 0.00042%; no homozygotes.

Submissions (7):

Evidence-based Network for the Interpretation of Germline Mutant Alleles (ENIGMA)
Classification: Likely benign for Breast-ovarian cancer, familial, susceptibility to, 2. Last evaluated: 2017-06-29. Review status: reviewed by expert panel. Criteria: ENIGMA BRCA1/2 Classification Criteria (2017-06-29). Collection method: curation. Allele origin: germline.
Comment: Synonymous substitution variant, with low bioinformatic likelihood to result in a splicing aberration (Splicing prior probability 0.02).

Labcorp Genetics (formerly Invitae), Labcorp
Classification: Likely benign for Hereditary breast ovarian cancer syndrome. Last evaluated: 2025-12-15. Review status: criteria provided, single submitter. Criteria: Invitae Variant Classification Sherloc (09022015). Collection method: clinical testing. Allele origin: germline. Not counted in ClinVar's aggregate classification.

All of Us Research Program, National Institutes of Health
Classification: Likely benign for Breast-ovarian cancer, familial, susceptibility to, 2. Last evaluated: 2023-03-23. Review status: criteria provided, single submitter. Criteria: ACMG Guidelines, 2015. Collection method: clinical testing. Allele origin: germline. Inheritance: Autosomal dominant inheritance. Observed: 1 variant allele, 1 heterozygote. Not counted in ClinVar's aggregate classification.
Comment: This study involves interpretation of variants in research participants for the purpose of population health screening. Participant phenotype was not available at the time of variant classification. Additional details can be found in publication PMID: 35346344, PMCID: PMC8962531

Color Diagnostics, LLC DBA Color Health
Classification: Likely benign for Hereditary cancer-predisposing syndrome. Last evaluated: 2017-11-25. Review status: criteria provided, single submitter. Criteria: ACMG Guidelines, 2015. Collection method: clinical testing. Allele origin: germline. Not counted in ClinVar's aggregate classification.

Ambry Genetics
Classification: Likely benign for Hereditary cancer-predisposing syndrome. Last evaluated: 2017-09-11. Review status: criteria provided, single submitter. Criteria: Ambry Variant Classification Scheme 2023. Collection method: clinical testing. Allele origin: germline. Not counted in ClinVar's aggregate classification.

Women's Health and Genetics/Laboratory Corporation of America, LabCorp
Classification: Likely benign. Last evaluated: 2016-08-08. Review status: criteria provided, single submitter. Criteria: LabCorp Variant Classification Summary - May 2015. Collection method: clinical testing. Allele origin: germline. Not counted in ClinVar's aggregate classification.
Comment: Variant summary: The BRCA2 c.7683G>A (p.Gln2561Gln) variant involves the alteration of a conserved nucleotide, resulting in a synonymous change. One in silico tool predicts a damaging outcome for this variant. ESE finder predicts that this variant may affect ESE site of SC35. However, 4/5 splice prediction tools predict no significant impact on normal splicing, which has been confirmed by two studies (Houdayer_2012, Thery_2011). This variant is absent in 121276 control chromosomes. In addition, multiple clinical diagnostic laboratories/reputable databases classified this variant as likely benign. Taken together, this variant is classified as likley benign.

GeneDx
Classification: Benign. Last evaluated: 2015-04-27. Review status: criteria provided, single submitter. Criteria: GeneDx Variant Classification Process June 2021. Collection method: clinical testing. Allele origin: germline. Affected: yes. Not counted in ClinVar's aggregate classification.

Literature cited by the submitters: PubMed 21673748 (cited by Ambry Genetics and Women's Health and Genetics/Laboratory Corporation of America, LabCorp); PubMed 22505045 (cited by Women's Health and Genetics/Laboratory Corporation of America, LabCorp); PubMed 23893897 (cited by Women's Health and Genetics/Laboratory Corporation of America, LabCorp).

NM_000059.4(BRCA2):c.7683G>A (p.Gln2561=)

Gene: BRCA2 (BRCA2 DNA repair associated; plus strand). Cytogenetic location: 13q13.1.
Variant type: single nucleotide variant.
Coding change: c.7683G>A on transcript NM_000059.4 (MANE Select); coding-DNA position 7683, G replaced by A.
Protein change: p.Gln2561=; no amino-acid change (glutamine 2561 retained).
Molecular consequence: synonymous variant.
Genome position (GRCh38, 1-based): chr13:32,357,807, G>A. VCF-style: chr13-32357807-G-A. GRCh37 (hg19) VCF-style: chr13-32931944-G-A.
Identifiers: ClinVar variation 184155 (VCV000184155.19), dbSNP rs786201304, ClinGen allele CA025229.